The following is an entry in ClinVar:

ClinVar aggregate classification (germline): Likely benign. Review status: criteria provided, multiple submitters, no conflicts (2 of 4 stars). 2 submissions from 2 submitters: Likely benign (2). Last evaluated 2024-01-13.

Conditions:
Bifunctional peroxisomal enzyme deficiency (DBIF). Also called: D-bifunctional protein deficiency; DBP DEFICIENCY; PBFE DEFICIENCY. Identifiers: Orphanet 300, MedGen C0342870, MONDO:0009855, OMIM 261515. Disease mechanism: loss of function.
Perrault syndrome. Also called: Gonadal dysgenesis with auditory dysfunction, autosomal recessive inheritance. Identifiers: Orphanet 2855, MedGen C0685838, MONDO:0017312.

Allele frequency attached by ClinVar (database versions not stated): TOPMed 0.00002.

Submissions (2):

Labcorp Genetics (formerly Invitae), Labcorp
Classification: Likely benign for Perrault syndrome; Bifunctional peroxisomal enzyme deficiency. Last evaluated: 2024-01-13. Review status: criteria provided, single submitter. Criteria: Invitae Variant Classification Sherloc (09022015). Collection method: clinical testing. Allele origin: germline.

GeneDx
Classification: Likely benign. Last evaluated: 2017-12-19. Review status: criteria provided, single submitter. Criteria: GeneDx Variant Classification (06012015). Collection method: clinical testing. Allele origin: germline. Affected: yes.
Comment: This variant is considered likely benign or benign based on one or more of the following criteria: it is a conservative change, it occurs at a poorly conserved position in the protein, it is predicted to be benign by multiple in silico algorithms, and/or has population frequency not consistent with disease.

NM_000414.4(HSD17B4):c.1095T>C (p.Tyr365=)

Gene: HSD17B4 (hydroxysteroid 17-beta dehydrogenase 4; plus strand). Cytogenetic location: 5q23.1.
Variant type: single nucleotide variant.
Coding change: c.1095T>C on transcript NM_000414.4 (MANE Select); coding-DNA position 1095, T replaced by C.
Protein change: p.Tyr365=; no amino-acid change (tyrosine 365 retained).
Molecular consequence: synonymous variant.
Genome position (GRCh38, 1-based): chr5:119,499,439, T>C. VCF-style: chr5-119499439-T-C. GRCh37 (hg19) VCF-style: chr5-118835134-T-C.
Other names: c.1170T>C, p.Tyr390= (NM_001199291.3); c.1041T>C, p.Tyr347= (NM_001199292.2); c.1023T>C, p.Tyr341= (NM_001292027.2); c.675T>C, p.Tyr225= (NM_001292028.2).
Identifiers: ClinVar variation 514242 (VCV000514242.8), dbSNP rs1554065300, ClinGen allele CA446219182.